The following is an entry in ClinVar:

NM_001130987.2(DYSF):c.5723G>A (p.Trp1908Ter)

Gene: DYSF (dysferlin; plus strand). Cytogenetic location: 2p13.2.
Variant type: single nucleotide variant.
Coding change: c.5723G>A on transcript NM_001130987.2 (MANE Select); coding-DNA position 5723, G replaced by A.
Protein change: p.Trp1908Ter; replaces tryptophan 1908 with a stop codon.
Molecular consequence: nonsense.
Genome position (GRCh38, 1-based): chr2:71,669,685, G>A. VCF-style: chr2-71669685-G-A. GRCh37 (hg19) VCF-style: chr2-71896815-G-A.
Other names: c.5609G>A, p.Trp1870Ter (NM_001130455.2); c.5564G>A, p.Trp1855Ter (NM_001130976.2); c.5627G>A, p.Trp1876Ter (NM_001130977.2); c.5669G>A, p.Trp1890Ter (NM_001130978.2); c.5699G>A, p.Trp1900Ter (NM_001130979.2); c.5657G>A, p.Trp1886Ter (NM_001130980.2); c.5720G>A, p.Trp1907Ter (NM_001130981.2); c.5702G>A, p.Trp1901Ter (NM_001130982.2); and 5 more; short protein forms W1855*, W1856*, W1869*, W1870*, W1876*, W1877*, W1886*, W1887*.
Identifiers: ClinVar variation 4815157 (VCV004815157.1).

ClinVar aggregate classification (germline): Pathogenic (1 of 4 stars; one submission).

Conditions:
Autosomal recessive limb-girdle muscular dystrophy type 2B (LGMDR2). Also called: MUSCULAR DYSTROPHY, LIMB-GIRDLE, TYPE 3; MUSCULAR DYSTROPHY, LIMB-GIRDLE, AUTOSOMAL RECESSIVE 2; Limb-Girdle Muscular Dystrophy Type 2B (LGMD2B); Limb-girdle muscular dystrophy, type 2B. Identifiers: Orphanet 268, MedGen C1850889, MONDO:0009676, OMIM 253601.

Submission:

Natera, Inc.
Classification: Pathogenic for Limb-girdle muscular dystrophy type 2B. Last evaluated: 2025-12-15. Review status: criteria provided, single submitter. Criteria: Natera Variant Classification Schema (03/2026). Collection method: clinical testing. Allele origin: germline.
Comment: The c.5606G>A variant in DYSF is a nonsense variant predicted to introduce a stop codon at amino acid 1869. This variant is expected to result in nonsense mediated decay, truncation, or a dysfunctional protein product. This variant is rare in the general population with a frequency below the threshold expected for the associated phenotype(s). This variant has been observed in one or more individuals affected with the associated recessive disease, as either homozygous or compound heterozygous with a second variant (PMID: 21522182). Given the available evidence, this variant is classified as Pathogenic.

Literature cited by the submitters: PubMed 21522182.